The following is an entry in ClinVar:

ClinVar aggregate classification (germline): Uncertain significance. Review status: criteria provided, multiple submitters, no conflicts (2 of 4 stars). 2 submissions from 2 submitters: Uncertain significance (2). Last evaluated 2023-05-24.

Conditions:
Inborn genetic diseases. Identifiers: MedGen C0950123, MeSH D030342.
Neuronal ceroid lipofuscinosis. Also called: Neuronal Ceroid Lipofuscinoses. Identifiers: Orphanet 216, Orphanet 79263, MedGen C0027877, MONDO:0016295. Disease mechanism: loss of function.

Allele frequency attached by ClinVar (database versions not stated): gnomAD exomes below 0.00001; TOPMed below 0.00001.
gnomAD v4.1: 2 of 1,611,138 alleles (0.00012%); highest among the groups gnomAD compares: Non-Finnish European, 0.00017%; no homozygotes.

Submissions (2):

Ambry Genetics
Classification: Uncertain significance for Inborn genetic diseases. Last evaluated: 2023-05-24. Review status: criteria provided, single submitter. Criteria: Ambry Variant Classification Scheme 2023. Collection method: clinical testing. Allele origin: germline.

Labcorp Genetics (formerly Invitae), Labcorp
Classification: Uncertain significance for Neuronal ceroid lipofuscinosis. Last evaluated: 2022-08-23. Review status: criteria provided, single submitter. Criteria: Invitae Variant Classification Sherloc (09022015). Collection method: clinical testing. Allele origin: germline.
Comment: This sequence change replaces tyrosine, which is neutral and polar, with histidine, which is basic and polar, at codon 176 of the CLN3 protein (p.Tyr176His). This variant is not present in population databases (gnomAD no frequency). This variant has not been reported in the literature in individuals affected with CLN3-related conditions. ClinVar contains an entry for this variant (Variation ID: 847076). Algorithms developed to predict the effect of missense changes on protein structure and function are either unavailable or do not agree on the potential impact of this missense change (SIFT: "Deleterious"; PolyPhen-2: "Probably Damaging"; Align-GVGD: "Class C0"). In summary, the available evidence is currently insufficient to determine the role of this variant in disease. Therefore, it has been classified as a Variant of Uncertain Significance.

NM_001042432.2(CLN3):c.526T>C (p.Tyr176His)

Gene: CLN3 (CLN3 lysosomal/endosomal transmembrane protein, battenin; minus strand). Cytogenetic location: 16p12.1.
Variant type: single nucleotide variant.
Coding change: c.526T>C on transcript NM_001042432.2 (MANE Select); coding-DNA position 526, T replaced by C.
Protein change: p.Tyr176His; replaces tyrosine 176 with histidine.
Molecular consequence: missense variant.
Genome position (GRCh38, 1-based): chr16:28,486,585, A>G on the plus strand (T>C on the coding strand, the complement: CLN3 is on the minus strand). VCF-style: chr16-28486585-A-G. GRCh37 (hg19) VCF-style: chr16-28497906-A-G.
Other names: c.526T>C, p.Tyr176His (NM_000086.2); c.454T>C, p.Tyr152His (NM_001286104.2); c.226T>C, p.Tyr76His (NM_001286105.2); c.292T>C, p.Tyr98His (NM_001286109.2); c.364T>C, p.Tyr122His (NM_001286110.2); short protein forms Y122H, Y98H, Y152H, Y176H, Y76H.
Identifiers: ClinVar variation 847076 (VCV000847076.6), dbSNP rs1191755724, ClinGen allele CA395345625.
Genomic context (GRCh38, chr16:28,486,585, plus strand): 5'-CTAGGCTGACCATGGGACAGCCTCTCCCCACACTCCCTGCTCCACCTGCTTACCTGGGGT[A>G]GAAGGCAGTGAGGGAGAGGAAGGTGACCTCCCCAAGGCCTGATGAGATGCTAGCGAAGAC-3'
Protein context (NP_001035897.1, residues 166-186): EVTFLSLTAF[Tyr176His]PRAVISWWSS